The following is an entry in ClinVar:

ClinVar aggregate classification (germline): Uncertain significance. Review status: criteria provided, multiple submitters, no conflicts (2 of 4 stars). 2 submissions from 2 submitters: Uncertain significance (2). Last evaluated 2025-10-07.

Conditions:
Developmental and epileptic encephalopathy, 34 (DEE34). Also called: Early infantile epileptic encephalopathy 34; SLC12A5-Related Epilepsy of Infancy with Migrating Focal Seizures. Identifiers: Orphanet 293181, MedGen C4225257, MONDO:0014718, OMIM 616645.

Allele frequency attached by ClinVar (database versions not stated): gnomAD 0.00001; TOPMed 0.00001; ExAC 0.00003; gnomAD exomes 0.00003.
gnomAD v4.1: 20 of 1,614,066 alleles (0.0012%); highest among the groups gnomAD compares: East Asian, 0.018%; no homozygotes.

Submissions (2):

Labcorp Genetics (formerly Invitae), Labcorp
Classification: Uncertain significance for Developmental and epileptic encephalopathy, 34. Last evaluated: 2025-10-07. Review status: criteria provided, single submitter. Criteria: Invitae Variant Classification Sherloc (09022015). Collection method: clinical testing. Allele origin: germline.
Comment: This sequence change replaces alanine, which is neutral and non-polar, with threonine, which is neutral and polar, at codon 440 of the SLC12A5 protein (p.Ala440Thr). This variant is present in population databases (rs769231047, gnomAD 0.006%). This variant has not been reported in the literature in individuals affected with SLC12A5-related conditions. ClinVar contains an entry for this variant (Variation ID: 944302). Invitae Evidence Modeling of protein sequence and biophysical properties (such as structural, functional, and spatial information, amino acid conservation, physicochemical variation, residue mobility, and thermodynamic stability) indicates that this missense variant is not expected to disrupt SLC12A5 protein function with a negative predictive value of 80%. In summary, the available evidence is currently insufficient to determine the role of this variant in disease. Therefore, it has been classified as a Variant of Uncertain Significance.

Ambry Genetics
Classification: Uncertain significance. Last evaluated: 2024-05-21. Review status: criteria provided, single submitter. Criteria: Ambry Variant Classification Scheme 2023. Collection method: clinical testing. Allele origin: germline.

NM_020708.5(SLC12A5):c.1318G>A (p.Ala440Thr)

Gene: SLC12A5 (solute carrier family 12 member 5; plus strand). Cytogenetic location: 20q13.12.
Variant type: single nucleotide variant.
Coding change: c.1318G>A on transcript NM_020708.5 (MANE Select); coding-DNA position 1318, G replaced by A.
Protein change: p.Ala440Thr; replaces alanine 440 with threonine.
Molecular consequence: missense variant.
Genome position (GRCh38, 1-based): chr20:46,043,713, G>A. VCF-style: chr20-46043713-G-A. GRCh37 (hg19) VCF-style: chr20-44672352-G-A.
Other names: c.1387G>A, p.Ala463Thr (NM_001134771.2); c.1387G>A (NM_001134771.1); short protein forms A463T, A440T.
Identifiers: ClinVar variation 944302 (VCV000944302.8), dbSNP rs769231047, ClinGen allele CA9887293.
Genomic context (GRCh38, chr20:46,043,713, plus strand): 5'-CGCTCTGGGGACCTGAGGGATGCCCAGAAGTCAATCCCCACTGGCACCATCCTGGCCATC[G>A]CCACCACCTCTGCTGTCTGTATCCTGCACAGCTGTGCTGGGACCACCCTCGGGGGAGGGC-3'
Protein context (NP_065759.1, residues 430-450): SIPTGTILAI[Ala440Thr]TTSAVYISSV